The following is an entry in ClinVar:

ClinVar aggregate classification (germline): Uncertain significance. Review status: criteria provided, multiple submitters, no conflicts (2 of 4 stars). 2 submissions from 2 submitters: Uncertain significance (2). Last evaluated 2024-10-10.

Conditions:
Hereditary cancer-predisposing syndrome. Also called: Neoplastic Syndromes, Hereditary; Tumor predisposition; Hereditary Cancer Syndrome; Hereditary neoplastic syndrome. Identifiers: Orphanet 140162, MedGen C0027672, MeSH D009386, MONDO:0015356.
Lynch syndrome 5 (LYNCH5). Also called: Colorectal cancer, hereditary nonpolyposis, type 5; Hereditary non-polyposis colorectal cancer, type 5. Identifiers: Orphanet 144, MedGen C1833477, MONDO:0013710, OMIM 614350. Disease mechanism: loss of function.

Allele frequency attached by ClinVar (database versions not stated): gnomAD exomes below 0.00001; ExAC 0.00001.
gnomAD v4.1: 1 of 1,614,108 alleles (0.000062%); highest among the groups gnomAD compares: South Asian, 0.0011%; no homozygotes.

Submissions (2):

Molecular Pathology, Peter Maccallum Cancer Centre
Classification: Uncertain significance for Lynch syndrome 5. Last evaluated: 2024-10-10. Review status: criteria provided, single submitter. Criteria: ACMG Guidelines, 2015. Collection method: clinical testing. Allele origin: germline. Inheritance: Autosomal dominant inheritance.

Ambry Genetics
Classification: Uncertain significance for Hereditary cancer-predisposing syndrome. Last evaluated: 2024-08-07. Review status: criteria provided, single submitter. Criteria: Ambry Variant Classification Scheme 2023. Collection method: clinical testing. Allele origin: germline.
Comment: The p.R249M variant (also known as c.746G>T), located in coding exon 4 of the MSH6 gene, results from a G to T substitution at nucleotide position 746. The arginine at codon 249 is replaced by methionine, an amino acid with similar properties. This amino acid position is highly conserved in available vertebrate species. In addition, this alteration is predicted to be deleterious by in silico analysis. Based on the available evidence, the clinical significance of this variant remains unclear.

NM_000179.3(MSH6):c.746G>T (p.Arg249Met)

Gene: MSH6 (mutS homolog 6; plus strand). Cytogenetic location: 2p16.3.
Variant type: single nucleotide variant.
Coding change: c.746G>T on transcript NM_000179.3 (MANE Select); coding-DNA position 746, G replaced by T.
Protein change: p.Arg249Met; replaces arginine 249 with methionine.
Molecular consequence: missense variant. On other transcripts: 5 prime UTR variant (2).
Genome position (GRCh38, 1-based): chr2:47,798,729, G>T. VCF-style: chr2-47798729-G-T. GRCh37 (hg19) VCF-style: chr2-48025868-G-T.
Other names: c.356G>T, p.Arg119Met (NM_001281492.2); c.-161G>T (NM_001281493.2, NM_001281494.2, NM_001406811.1 and 6 more transcripts); c.842G>T, p.Arg281Met (NM_001406795.1, NM_001406802.1); c.746G>T, p.Arg249Met (NM_001406796.1, NM_001406798.1, NM_001406800.1 and 4 more transcripts); c.449G>T, p.Arg150Met (NM_001406797.1, NM_001406801.1, NM_001406805.1 and 10 more transcripts); c.221G>T, p.Arg74Met (NM_001406799.1, NM_001406806.1, NM_001406807.1); c.668G>T, p.Arg223Met (NM_001406804.1); c.752G>T, p.Arg251Met (NM_001406813.1); and 1 more; short protein forms R223M, R249M, R150M, R281M, R74M, R251M, R119M, R193M.
Identifiers: ClinVar variation 1759055 (VCV001759055.4), dbSNP rs752135996, ClinGen allele CA073430.